The following is an entry in ClinVar:

GRCh38/hg38 8p23.1(chr8:8336212-11984392)x3

Genes: BLK (BLK proto-oncogene, Src family tyrosine kinase), BLK-AS1 (BLK antisense RNA 1), C8orf74 (chromosome 8 open reading frame 74), CLDN23 (claudin 23), CRE3 (CRE3 CAGE-defined tissue-specific enhancer) and 186 more. Cytogenetic location: 8p23.1.
Variant type: copy number gain.
Change: copy number 3 (three copies instead of two) of chr8:8,336,212-11,984,392 (3.65 Mb, GRCh38 coordinates, 1-based), cytogenetic band 8p23.1.
Identifiers: ClinVar variation 59638 (VCV000059638.3).

ClinVar aggregate classification (germline): Pathogenic (0 of 4 stars; one submission).

Submission:

ISCA Site 6
Classification: Pathogenic. Last evaluated: 2011-08-11. Review status: no assertion criteria provided. Collection method: clinical testing. Allele origin: de novo. Affected: yes. Observed: 1 variant allele.
Comment: Copy number variation identified through the course of routine clinical cytogenomic testing in postnatal populations. Clinical assertions have been curated as described in Kaminsky et al. 2011.

Copy number variation identified through the course of routine clinical cytogenomic testing in postnatal populations. Clinical assertions have been curated as described in Kaminsky, et al. 2011 (PubMed 21844811). For additional ClinGen data, please see nstd37.